The following is an entry in ClinVar:

ClinVar aggregate classification (germline): Uncertain significance. Review status: criteria provided, multiple submitters, no conflicts (2 of 4 stars). 4 submissions from 4 submitters: Uncertain significance (3). 1 of the submissions does not count toward it. Last evaluated 2025-07-27.

Conditions:
PSMB4-related disorder. Also called: PSMB4-related condition.

Allele frequency attached by ClinVar (database versions not stated): gnomAD 0.00002.

Submissions (4):

Labcorp Genetics (formerly Invitae), Labcorp
Classification: Uncertain significance. Last evaluated: 2025-07-27. Review status: criteria provided, single submitter. Criteria: Invitae Variant Classification Sherloc (09022015). Collection method: clinical testing. Allele origin: germline.
Comment: This sequence change replaces proline, which is neutral and non-polar, with serine, which is neutral and polar, at codon 247 of the PSMB4 protein (p.Pro247Ser). This variant is present in population databases (rs772971488, gnomAD 0.02%). This variant has not been reported in the literature in individuals affected with PSMB4-related conditions. ClinVar contains an entry for this variant (Variation ID: 1496915). An algorithm developed to predict the effect of missense changes on protein structure and function (PolyPhen-2) suggests that this variant is likely to be tolerated. In summary, the available evidence is currently insufficient to determine the role of this variant in disease. Therefore, it has been classified as a Variant of Uncertain Significance.

Blueprint Genetics
Classification: Uncertain significance. Last evaluated: 2023-11-30. Review status: criteria provided, single submitter. Criteria: ACMG Guidelines, 2015. Collection method: clinical testing. Allele origin: germline.

Ambry Genetics
Classification: Uncertain significance. Last evaluated: 2021-08-10. Review status: criteria provided, single submitter. Criteria: Ambry Variant Classification Scheme 2023. Collection method: clinical testing. Allele origin: germline.

PreventionGenetics, part of Exact Sciences
Classification: Uncertain significance for PSMB4-related condition. Last evaluated: 2023-11-09. Review status: no assertion criteria provided. Collection method: clinical testing. Allele origin: germline. Not counted in ClinVar's aggregate classification.
Comment: The PSMB4 c.739C>T variant is predicted to result in the amino acid substitution p.Pro247Ser. To our knowledge, this variant has not been reported in the literature. This variant is reported in 0.023% of alleles in individuals of South Asian descent in gnomAD. At this time, the clinical significance of this variant is uncertain due to the absence of conclusive functional and genetic evidence.

NM_002796.3(PSMB4):c.739C>T (p.Pro247Ser)

Gene: PSMB4 (proteasome 20S subunit beta 4; plus strand). Cytogenetic location: 1q21.3.
Variant type: single nucleotide variant.
Coding change: c.739C>T on transcript NM_002796.3 (MANE Select); coding-DNA position 739, C replaced by T.
Protein change: p.Pro247Ser; replaces proline 247 with serine.
Molecular consequence: missense variant.
Genome position (GRCh38, 1-based): chr1:151,401,587, C>T. VCF-style: chr1-151401587-C-T. GRCh37 (hg19) VCF-style: chr1-151374063-C-T.
Other names: c.739C>T (NM_002796.2); short protein forms P247S.
Identifiers: ClinVar variation 1496915 (VCV001496915.12), dbSNP rs772971488, ClinGen allele CA1090785.